The following is an entry in ClinVar:

ClinVar aggregate classification (germline): Uncertain significance (1 of 4 stars; one submission).

Conditions:
CACNA1A-related disorder. Also called: CACNA1A-related condition.

gnomAD v4.1: 1 of 1,556,748 alleles (0.000064%); highest among the groups gnomAD compares: Non-Finnish European, 0.000086%; no homozygotes.

Submission:

PreventionGenetics, part of Exact Sciences
Classification: Uncertain significance for CACNA1A-related condition. Last evaluated: 2025-11-03. Review status: criteria provided, single submitter. Criteria: ACMG Guidelines, 2015. Collection method: clinical testing. Allele origin: germline.
Comment: The CACNA1A c.7478G>A variant is predicted to result in the amino acid substitution p.Gly2493Asp. To our knowledge, this variant has not been reported in the literature or in a large population database (gnomAD), indicating this variant is rare. At this time, the clinical significance of this variant is uncertain due to the absence of conclusive functional and genetic evidence.

NM_001127222.2(CACNA1A):c.7478G>A (p.Gly2493Asp)

Gene: CACNA1A (calcium voltage-gated channel subunit alpha1 A; minus strand). Cytogenetic location: 19p13.13.
Variant type: single nucleotide variant.
Coding change: c.7478G>A on transcript NM_001127222.2 (MANE Select); coding-DNA position 7478, G replaced by A.
Protein change: p.Gly2493Asp; replaces glycine 2493 with aspartic acid.
Molecular consequence: missense variant. On other transcripts: 3 prime UTR variant (3).
Genome position (GRCh38, 1-based): chr19:13,207,356, C>T on the plus strand (G>A on the coding strand, the complement: CACNA1A is on the minus strand). VCF-style: chr19-13207356-C-T. GRCh37 (hg19) VCF-style: chr19-13318170-C-T.
Other names: c.*690G>A (NM_000068.4, NM_001127221.2, NM_001174080.2); c.7496G>A, p.Gly2499Asp (NM_023035.3); short protein forms G2493D, G2499D.
Identifiers: ClinVar variation 4995407 (VCV004995407.1).